The following is an entry in ClinVar:

NM_015909.4(NBAS):c.1594A>G (p.Arg532Gly)

Gene: NBAS (NBAS subunit of NRZ tethering complex; minus strand). Cytogenetic location: 2p24.3.
Variant type: single nucleotide variant.
Coding change: c.1594A>G on transcript NM_015909.4 (MANE Select); coding-DNA position 1594, A replaced by G.
Protein change: p.Arg532Gly; replaces arginine 532 with glycine.
Molecular consequence: missense variant. On other transcripts: non-coding transcript variant (1).
Genome position (GRCh38, 1-based): chr2:15,474,072, T>C on the plus strand (A>G on the coding strand, the complement: NBAS is on the minus strand). VCF-style: chr2-15474072-T-C. GRCh37 (hg19) VCF-style: chr2-15614196-T-C.
Other names: short protein forms R532G.
Identifiers: ClinVar variation 2817392 (VCV002817392.3), dbSNP rs1288317358, ClinGen allele CA345887597.

ClinVar aggregate classification (germline): Uncertain significance (1 of 4 stars; one submission).

Allele frequency attached by ClinVar (database versions not stated): gnomAD exomes below 0.00001.
gnomAD v4.1: 2 of 1,614,210 alleles (0.00012%); highest among the groups gnomAD compares: Middle Eastern, 0.016%; no homozygotes.

Submission:

Labcorp Genetics (formerly Invitae), Labcorp
Classification: Uncertain significance. Last evaluated: 2022-11-29. Review status: criteria provided, single submitter. Criteria: Invitae Variant Classification Sherloc (09022015). Collection method: clinical testing. Allele origin: germline.
Comment: In summary, the available evidence is currently insufficient to determine the role of this variant in disease. Therefore, it has been classified as a Variant of Uncertain Significance. Advanced modeling of protein sequence and biophysical properties (such as structural, functional, and spatial information, amino acid conservation, physicochemical variation, residue mobility, and thermodynamic stability) performed at Invitae indicates that this missense variant is not expected to disrupt NBAS protein function. This variant has not been reported in the literature in individuals affected with NBAS-related conditions. This variant is present in population databases (no rsID available, gnomAD 0.0009%). This sequence change replaces arginine, which is basic and polar, with glycine, which is neutral and non-polar, at codon 532 of the NBAS protein (p.Arg532Gly).